The following is an entry in ClinVar:

NM_001165963.4(SCN1A):c.993A>C (p.Leu331Phe)

Gene: SCN1A (sodium voltage-gated channel alpha subunit 1; minus strand). Cytogenetic location: 2q24.3.
Variant type: single nucleotide variant.
Coding change: c.993A>C on transcript NM_001165963.4 (MANE Select); coding-DNA position 993, A replaced by C.
Protein change: p.Leu331Phe; replaces leucine 331 with phenylalanine.
Molecular consequence: missense variant. On other transcripts: 5 prime UTR variant (1), non-coding transcript variant (1).
Genome position (GRCh38, 1-based): chr2:166,048,921, T>G on the plus strand (A>C on the coding strand, the complement: SCN1A is on the minus strand). VCF-style: chr2-166048921-T-G. GRCh37 (hg19) VCF-style: chr2-166905431-T-G.
Other names: c.993A>C, p.Leu331Phe (NM_001165964.3, NM_001202435.3, NM_001353948.2 and 10 more transcripts); c.-1433A>C (NM_001353961.2); short protein forms L331F.
Identifiers: ClinVar variation 392504 (VCV000392504.2), dbSNP rs1057524518, ClinGen allele CA16603949.
Genomic context (GRCh38, chr2:166,048,921, plus strand): 5'-AGATACACACAAATTATTGACTTACCCTGCATCAGAGCTATTTCCACATAGTAGTGCATC[T>G]AAAAAACCCTCCAGGAAATAATGATATCCTGTTTGAAAAAAGAAAGTCGTATGATGAACA-3'
Protein context (NP_001159435.1, residues 321-341): SRYHYFLEGF[Leu331Phe]DALLCGNSSD

ClinVar aggregate classification (germline): Uncertain significance (1 of 4 stars; one submission).

Submission:

GeneDx
Classification: Uncertain significance. Last evaluated: 2017-01-12. Review status: criteria provided, single submitter. Criteria: GeneDx Variant Classification (06012015). Collection method: clinical testing. Allele origin: germline. Affected: yes.
Comment: The L331F variant has not been published as a pathogenic variant, nor has it been reported as a benign variant to our knowledge. This variant is not observed in large population cohorts (Lek et al., 2016; 1000 Genomes Consortium et al., 2015; Exome Variant Server). The L331F variant is a conservative amino acid substitution that is predicted to be within the pore forming loop between the S5 and S6 transmembrane segments of the first homologous domain at a position that is not conserved. In silico analysis is inconsistent in its predictions as to whether or not the variant is damaging to the protein structure/function. Therefore, based on the currently available information, it is unclear whether this variant is a pathogenic variant or a rare benign variant.